The following is an entry in ClinVar:

NM_144573.4(NEXN):c.946G>A (p.Glu316Lys)

Gene: NEXN (nexilin F-actin binding protein; plus strand). Cytogenetic location: 1p31.1.
Variant type: single nucleotide variant.
Coding change: c.946G>A on transcript NM_144573.4 (MANE Select); coding-DNA position 946, G replaced by A.
Protein change: p.Glu316Lys; replaces glutamic acid 316 with lysine.
Molecular consequence: missense variant.
Genome position (GRCh38, 1-based): chr1:77,929,397, G>A. VCF-style: chr1-77929397-G-A. GRCh37 (hg19) VCF-style: chr1-78395082-G-A.
Other names: c.754G>A, p.Glu252Lys (NM_001172309.2); short protein forms E252K, E316K.
Identifiers: ClinVar variation 1054130 (VCV001054130.9), dbSNP rs2102133320, ClinGen allele CA340875206.

ClinVar aggregate classification (germline): Uncertain significance (1 of 4 stars; one submission).

Conditions:
Dilated cardiomyopathy 1CC (CMD1CC). Identifiers: Orphanet 154, MedGen C2751084, MONDO:0013147, OMIM 613122.
Hypertrophic cardiomyopathy 20. Identifiers: MedGen C3151267, MONDO:0013477, OMIM 613876.

Submission:

Labcorp Genetics (formerly Invitae), Labcorp
Classification: Uncertain significance for Dilated cardiomyopathy 1CC; Hypertrophic cardiomyopathy 20. Last evaluated: 2020-08-27. Review status: criteria provided, single submitter. Criteria: Invitae Variant Classification Sherloc (09022015). Collection method: clinical testing. Allele origin: germline.
Comment: This variant is not present in population databases (ExAC no frequency). This sequence change replaces glutamic acid with lysine at codon 316 of the NEXN protein (p.Glu316Lys). The glutamic acid residue is highly conserved and there is a small physicochemical difference between glutamic acid and lysine. This variant has not been reported in the literature in individuals with NEXN-related conditions. Algorithms developed to predict the effect of missense changes on protein structure and function are either unavailable or do not agree on the potential impact of this missense change (SIFT: "Deleterious"; PolyPhen-2: "Possibly Damaging"; Align-GVGD: "Class C0"). In summary, the available evidence is currently insufficient to determine the role of this variant in disease. Therefore, it has been classified as a Variant of Uncertain Significance.